The following is an entry in ClinVar:

NM_001854.4(COL11A1):c.3600+8G>A

Gene: COL11A1 (collagen type XI alpha 1 chain; minus strand). Cytogenetic location: 1p21.1.
Variant type: single nucleotide variant.
Coding change: c.3600+8G>A on transcript NM_001854.4 (MANE Select); 8 bases into the intron after coding-DNA position 3600, G replaced by A.
Molecular consequence: intron variant.
Genome position (GRCh38, 1-based): chr1:102,934,441, C>T on the plus strand (G>A on the coding strand, the complement: COL11A1 is on the minus strand). VCF-style: chr1-102934441-C-T. GRCh37 (hg19) VCF-style: chr1-103399997-C-T.
Other names: c.3483+8G>A (NM_001190709.2); c.3636+8G>A (NM_080629.3); c.3252+8G>A (NM_080630.4).
Identifiers: ClinVar variation 383781 (VCV000383781.39), dbSNP rs188045535, ClinGen allele CA973956.

ClinVar aggregate classification (germline): Conflicting classifications of pathogenicity. Review status: criteria provided, conflicting classifications (1 of 4 stars). 5 submissions from 5 submitters: Uncertain significance (1); Likely benign (4). Last evaluated 2026-02-12.

Conditions:
COL11A1-related disorder. Also called: COL11A1-related disorders; COL11A1-related condition.

Allele frequency attached by ClinVar (database versions not stated): ExAC 0.00004; gnomAD exomes 0.00005 and 0.00014; gnomAD 0.00006 and 0.00007; TOPMed 0.00008; 1000 Genomes Project 30x 0.00016; 1000 Genomes Project 0.00020.
gnomAD v4.1: 216 of 1,584,272 alleles (0.014%); highest among the groups gnomAD compares: Non-Finnish European, 0.018%; no homozygotes.

Submissions (5):

PreventionGenetics, part of Exact Sciences
Classification: Likely benign for COL11A1-related condition. Last evaluated: 2026-02-12. Review status: criteria provided, single submitter. Criteria: ACMG Guidelines, 2015. Collection method: clinical testing. Allele origin: germline.
Comment: This variant is classified as likely benign based on ACMG/AMP sequence variant interpretation guidelines (Richards et al. 2015 PMID: 25741868, with internal and published modifications).

Labcorp Genetics (formerly Invitae), Labcorp
Classification: Likely benign. Last evaluated: 2026-01-13. Review status: criteria provided, single submitter. Criteria: Invitae Variant Classification Sherloc (09022015). Collection method: clinical testing. Allele origin: germline.

Blueprint Genetics
Classification: Likely benign. Last evaluated: 2023-09-21. Review status: criteria provided, single submitter. Criteria: ACMG Guidelines, 2015. Collection method: clinical testing. Allele origin: germline.

CeGaT Center for Human Genetics Tuebingen
Classification: Uncertain significance. Last evaluated: 2022-11-01. Review status: criteria provided, single submitter. Criteria: CeGaT Center For Human Genetics Tuebingen Variant Classification Criteria Version 2. Collection method: clinical testing. Allele origin: germline. Affected: yes. Observed: 1 variant allele.
Comment: COL11A1: PM2, BP4

GeneDx
Classification: Likely benign. Last evaluated: 2016-11-18. Review status: criteria provided, single submitter. Criteria: GeneDx Variant Classification (06012015). Collection method: clinical testing. Allele origin: germline. Affected: yes.
Comment: This variant is considered likely benign or benign based on one or more of the following criteria: it is a conservative change, it occurs at a poorly conserved position in the protein, it is predicted to be benign by multiple in silico algorithms, and/or has population frequency not consistent with disease.